The following is an entry in ClinVar:

ClinVar aggregate classification (germline): Benign/Likely benign. Review status: criteria provided, multiple submitters, no conflicts (2 of 4 stars). 8 submissions from 8 submitters: Benign (2); Likely benign (3). 3 of the submissions do not count toward it. Last evaluated 2025-04-24.

Conditions:
Colorectal cancer, hereditary nonpolyposis, type 7. Identifiers: Orphanet 144, MedGen C1858380, MONDO:0013725, OMIM 614385.

Allele frequency attached by ClinVar (database versions not stated): 1000 Genomes Project 0.00080; gnomAD 0.00472 and 0.00496; ESP Exome Variant Server 0.00484; 1000 Genomes Project 30x 0.00094; ExAC 0.00484; gnomAD exomes 0.00502 and 0.00734; TOPMed 0.00386.
gnomAD v4.1: 11,281 of 1,613,064 alleles (0.7%); highest among the groups gnomAD compares: Non-Finnish European, 0.84%; 61 homozygotes.

Submissions (8):

ARUP Laboratories, Molecular Genetics and Genomics, ARUP Laboratories
Classification: Benign. Last evaluated: 2025-04-24. Review status: criteria provided, single submitter. Criteria: ARUP Molecular Germline Variant Investigation Process 2024. Collection method: clinical testing. Allele origin: germline.

Center for Genomic Medicine, Rigshospitalet, Copenhagen University Hospital
Classification: Likely benign. Last evaluated: 2025-03-04. Review status: criteria provided, single submitter. Criteria: ACMG Guidelines, 2015. Collection method: clinical testing. Allele origin: germline.

Department of Pathology and Laboratory Medicine, Sinai Health System
Classification: Benign for colorectal cancer, hereditary nonpolyposis, type 7. Last evaluated: 2021-06-11. Review status: criteria provided, single submitter. Criteria: ACMG Guidelines, 2015. Collection method: clinical testing. Allele origin: germline. Affected: yes.

Illumina Laboratory Services, Illumina
Classification: Likely benign for Colorectal cancer, hereditary nonpolyposis, type 7. Last evaluated: 2018-01-13. Review status: criteria provided, single submitter. Criteria: ICSL Variant Classification Criteria 13 December 2019. Collection method: clinical testing. Allele origin: germline.
Comment: This variant was observed in the ICSL laboratory as part of a predisposition screen in an ostensibly healthy population. It had not been previously curated by ICSL or reported in the Human Gene Mutation Database (HGMD: prior to June 1st, 2018), and was therefore a candidate for classification through an automated scoring system. Utilizing variant allele frequency, disease prevalence and penetrance estimates, and inheritance mode, an automated score was calculated to assess if this variant is too frequent to cause the disease. Based on the score and internal cut-off values, a variant classified as likely benign is not then subjected to further curation. The score for this variant resulted in a classification of likely benign for this disease.

Breakthrough Genomics
Classification: Likely benign. Review status: criteria provided, single submitter. Criteria: ACMG Guidelines, 2015. Collection method: not provided. Allele origin: germline. Inheritance: Autosomal dominant inheritance. Affected: yes.

Clinical Genetics, Academic Medical Center
Classification: Benign. Review status: no assertion criteria provided. Collection method: clinical testing. Allele origin: germline. Affected: yes. Study: VKGL Data-share Consensus. Not counted in ClinVar's aggregate classification.

Laboratory of Diagnostic Genome Analysis, Leiden University Medical Center (LUMC)
Classification: Likely benign. Review status: no assertion criteria provided. Collection method: clinical testing. Allele origin: germline. Affected: yes. Study: VKGL Data-share Consensus. Not counted in ClinVar's aggregate classification.

Mayo Clinic Laboratories, Mayo Clinic
Classification: Likely benign. Review status: no assertion criteria provided. Collection method: clinical testing. Allele origin: unknown. Not counted in ClinVar's aggregate classification.

NM_001040108.2(MLH3):c.3987+15C>T

Gene: MLH3 (mutL homolog 3; minus strand). Cytogenetic location: 14q24.3.
Variant type: single nucleotide variant.
Coding change: c.3987+15C>T on transcript NM_001040108.2 (MANE Select); 15 bases into the intron after coding-DNA position 3987, C replaced by T.
Molecular consequence: intron variant.
Genome position (GRCh38, 1-based): chr14:75,030,528, G>A on the plus strand (C>T on the coding strand, the complement: MLH3 is on the minus strand). VCF-style: chr14-75030528-G-A. GRCh37 (hg19) VCF-style: chr14-75497231-G-A.
Other names: c.3915+15C>T (NM_014381.3).
Identifiers: ClinVar variation 314371 (VCV000314371.22), dbSNP rs117251698, ClinGen allele CA7275278.